The following is an entry in ClinVar:

NM_000231.3(SGCG):c.505+6T>C

Gene: SGCG (sarcoglycan gamma; plus strand). Cytogenetic location: 13q12.12.
Variant type: single nucleotide variant.
Coding change: c.505+6T>C on transcript NM_000231.3 (MANE Select); 6 bases into the intron after coding-DNA position 505, T replaced by C.
Molecular consequence: intron variant.
Genome position (GRCh38, 1-based): chr13:23,279,484, T>C. VCF-style: chr13-23279484-T-C. GRCh37 (hg19) VCF-style: chr13-23853623-T-C.
Other names: c.559+6T>C (NM_001378244.1); c.505+6T>C (NM_001378245.1, NM_001378246.1).
Identifiers: ClinVar variation 1403689 (VCV001403689.6), dbSNP rs372684728, ClinGen allele CA6909704.

ClinVar aggregate classification (germline): Uncertain significance. Review status: criteria provided, multiple submitters, no conflicts (2 of 4 stars). 2 submissions from 2 submitters: Uncertain significance (2). Last evaluated 2025-11-27.

Conditions:
Autosomal recessive limb-girdle muscular dystrophy type 2C (LGMDR5). Also called: MUSCULAR DYSTROPHY, DUCHENNE-LIKE; MUSCULAR DYSTROPHY, LIMB-GIRDLE, AUTOSOMAL RECESSIVE 5. Identifiers: Orphanet 353, MedGen C0410173, MONDO:0009677, OMIM 253700. Disease mechanism: Affects gamma-sarcoglycan and also disrupts the integrity of the entire sarcoglycan complex..

Allele frequency attached by ClinVar (database versions not stated): gnomAD exomes 0.00001 and 0.00002; ExAC 0.00003; gnomAD 0.00005; ESP Exome Variant Server 0.00015.
gnomAD v4.1: 14 of 1,612,042 alleles (0.00087%); highest among the groups gnomAD compares: African/African-American, 0.015%; no homozygotes.

Submissions (2):

Women's Health and Genetics/Laboratory Corporation of America, LabCorp
Classification: Uncertain significance. Last evaluated: 2025-11-27. Review status: criteria provided, single submitter. Criteria: LabCorp Variant Classification Summary - May 2015. Collection method: clinical testing. Allele origin: germline.

Labcorp Genetics (formerly Invitae), Labcorp
Classification: Uncertain significance for Autosomal recessive limb-girdle muscular dystrophy type 2C. Last evaluated: 2022-06-27. Review status: criteria provided, single submitter. Criteria: Invitae Variant Classification Sherloc (09022015). Collection method: clinical testing. Allele origin: germline.
Comment: This sequence change falls in intron 5 of the SGCG gene. It does not directly change the encoded amino acid sequence of the SGCG protein. It affects a nucleotide within the consensus splice site. This variant is present in population databases (rs372684728, gnomAD 0.02%). This variant has not been reported in the literature in individuals affected with SGCG-related conditions. Variants that disrupt the consensus splice site are a relatively common cause of aberrant splicing (PMID: 17576681, 9536098). Algorithms developed to predict the effect of sequence changes on RNA splicing suggest that this variant is not likely to affect RNA splicing. In summary, the available evidence is currently insufficient to determine the role of this variant in disease. Therefore, it has been classified as a Variant of Uncertain Significance.

Literature cited by the submitters: PubMed 17576681 (cited by Labcorp Genetics (formerly Invitae), Labcorp); PubMed 9536098 (cited by Labcorp Genetics (formerly Invitae), Labcorp).